The following is an entry in ClinVar:

ClinVar aggregate classification (germline): Pathogenic (1 of 4 stars; one submission).

gnomAD v4.1: 14 of 1,550,888 alleles (0.0009%); highest among the groups gnomAD compares: African/African-American, 0.0014%; no homozygotes.

Submission:

Labcorp Genetics (formerly Invitae), Labcorp
Classification: Pathogenic. Last evaluated: 2025-06-01. Review status: criteria provided, single submitter. Criteria: Invitae Variant Classification Sherloc (09022015). Collection method: clinical testing. Allele origin: germline.
Comment: This sequence change creates a premature translational stop signal (p.Arg2395*) in the UNC80 gene. It is expected to result in an absent or disrupted protein product. Loss-of-function variants in UNC80 are known to be pathogenic (PMID: 26545877, 26708751, 26708753). This variant is present in population databases (no rsID available, gnomAD 0.01%). This variant has not been reported in the literature in individuals affected with UNC80-related conditions. Algorithms developed to predict the effect of sequence changes on RNA splicing suggest that this variant may disrupt the consensus splice site. For these reasons, this variant has been classified as Pathogenic.

Literature cited by the submitters: PubMed 26545877; PubMed 26708751; PubMed 26708753.

NM_001371986.1(UNC80):c.7381C>T (p.Arg2461Ter)

Gene: UNC80 (unc-80 subunit of NALCN channel complex; plus strand). Cytogenetic location: 2q34.
Variant type: single nucleotide variant.
Coding change: c.7381C>T on transcript NM_001371986.1 (MANE Select); coding-DNA position 7381, C replaced by T.
Protein change: p.Arg2461Ter; replaces arginine 2461 with a stop codon.
Molecular consequence: nonsense.
Genome position (GRCh38, 1-based): chr2:209,954,194, C>T. VCF-style: chr2-209954194-C-T. GRCh37 (hg19) VCF-style: chr2-210818918-C-T.
Other names: c.7183C>T, p.Arg2395Ter (NM_032504.2); c.7168C>T, p.Arg2390Ter (NM_182587.4); short protein forms R2395*, R2390*, R2461*.
Identifiers: ClinVar variation 4778656 (VCV004778656.1).